The following is an entry in ClinVar:

ClinVar aggregate classification (germline): Pathogenic (1 of 4 stars; one submission).

Conditions:
Joubert syndrome 21 (JBTS21). Identifiers: MedGen C3810212, MONDO:0014288, OMIM 615636.

Submission:

Labcorp Genetics (formerly Invitae), Labcorp
Classification: Pathogenic for Joubert syndrome 21. Last evaluated: 2023-05-11. Review status: criteria provided, single submitter. Criteria: Invitae Variant Classification Sherloc (09022015). Collection method: clinical testing. Allele origin: germline.
Comment: For these reasons, this variant has been classified as Pathogenic. This variant has not been reported in the literature in individuals affected with CSPP1-related conditions. A gross deletion of the genomic region encompassing the full coding sequence of the CSPP1 gene has been identified. Loss-of-function variants in CSPP1 are known to be pathogenic (PMID: 24360807, 24360808). The boundaries of this event are unknown as they extend beyond the assayed region for this gene and therefore may encompass additional genes.

Literature cited by the submitters: PubMed 24360807; PubMed 24360808.

NC_000008.10:g.(?_67976634)_(68658364_?)del

Genes: ARFGEF1 (ARF guanine nucleotide exchange factor 1; minus strand), CPA6 (carboxypeptidase A6; minus strand), CSPP1 (centrosome and spindle pole associated protein 1; plus strand). Cytogenetic location: 8q13.1-13.2.
Variant type: Deletion.
Identifiers: ClinVar variation 2426888 (VCV002426888.4).